The following is an entry in ClinVar:

ClinVar aggregate classification (germline): Uncertain significance. Review status: criteria provided, multiple submitters, no conflicts (2 of 4 stars). 4 submissions from 4 submitters: Uncertain significance (3). 1 of the submissions does not count toward it. Last evaluated 2022-07-18.

Conditions:
Nemaline myopathy 2 (NEM2). Also called: Nemaline myopathy 2, autosomal recessive. Identifiers: MedGen C1850569, MONDO:0009725, OMIM 256030.

Allele frequency attached by ClinVar (database versions not stated): ExAC 0.00003; gnomAD 0.00003 and 0.00004; gnomAD exomes 0.00003; TOPMed 0.00005.
gnomAD v4.1: 90 of 1,611,912 alleles (0.0056%); highest among the groups gnomAD compares: Admixed American, 0.0084%; no homozygotes.

Submissions (4):

Revvity Omics, Revvity
Classification: Uncertain significance. Last evaluated: 2022-07-18. Review status: criteria provided, single submitter. Criteria: ACMG Guidelines, 2015. Collection method: clinical testing. Allele origin: germline.

Labcorp Genetics (formerly Invitae), Labcorp
Classification: Uncertain significance for Nemaline myopathy 2. Last evaluated: 2022-03-18. Review status: criteria provided, single submitter. Criteria: Invitae Variant Classification Sherloc (09022015). Collection method: clinical testing. Allele origin: germline.
Comment: This sequence change replaces lysine, which is basic and polar, with glutamic acid, which is acidic and polar, at codon 3038 of the NEB protein (p.Lys3038Glu). This variant is present in population databases (rs780293943, gnomAD 0.007%). This variant has not been reported in the literature in individuals affected with NEB-related conditions. ClinVar contains an entry for this variant (Variation ID: 659232). Algorithms developed to predict the effect of missense changes on protein structure and function are either unavailable or do not agree on the potential impact of this missense change (SIFT: "Deleterious"; PolyPhen-2: "Not Available"; Align-GVGD: "Class C0"). In summary, the available evidence is currently insufficient to determine the role of this variant in disease. Therefore, it has been classified as a Variant of Uncertain Significance.

Blueprint Genetics
Classification: Uncertain significance. Last evaluated: 2020-09-18. Review status: criteria provided, single submitter. Criteria: ACMG Guidelines, 2015. Collection method: clinical testing. Allele origin: germline.

Natera, Inc.
Classification: Uncertain significance for Nemaline myopathy type 2. Last evaluated: 2020-01-17. Review status: no assertion criteria provided. Collection method: clinical testing. Allele origin: germline. Not counted in ClinVar's aggregate classification.

NM_001164508.2(NEB):c.9112A>G (p.Lys3038Glu)

Gene: NEB (nebulin; minus strand). Cytogenetic location: 2q23.3.
Variant type: single nucleotide variant.
Coding change: c.9112A>G on transcript NM_001164508.2 (MANE Select); coding-DNA position 9112, A replaced by G.
Protein change: p.Lys3038Glu; replaces lysine 3038 with glutamic acid.
Molecular consequence: missense variant. On other transcripts: intron variant (1).
Genome position (GRCh38, 1-based): chr2:151,633,956, T>C on the plus strand (A>G on the coding strand, the complement: NEB is on the minus strand). VCF-style: chr2-151633956-T-C. GRCh37 (hg19) VCF-style: chr2-152490470-T-C.
Other names: c.9112A>G, p.Lys3038Glu (NM_001164507.2, NM_001271208.2); c.8854-2778A>G (NM_004543.5); short protein forms K3038E.
Identifiers: ClinVar variation 659232 (VCV000659232.8), dbSNP rs780293943, ClinGen allele CA1909405.
Genomic context (GRCh38, chr2:151,633,956, plus strand): 5'-GGTCATCTTCAATGTTCCGGGCTCCAATATGGTGGCCAAGTTGCTTGCAGTAACCATCTT[T>C]ATATTTGTACTAAAATGAAAATGCACAAATCAGGTTTTTATTGTAACCCCTTAGAGGCCA-3'
Protein context (NP_001157980.2, residues 3028-3048): SRDIISDYKY[Lys3038Glu]DGYCKQLGHH